The following is an entry in ClinVar:

ClinVar aggregate classification (germline): Uncertain significance. Review status: criteria provided, multiple submitters, no conflicts (2 of 4 stars). 2 submissions from 2 submitters: Uncertain significance (2). Last evaluated 2025-04-01.

Conditions:
Early Myoclonic Encephalopathy. Identifiers: MedGen C0270855.
JMJD1C-related disorder. Also called: JMJD1C-related condition.

Allele frequency attached by ClinVar (database versions not stated): gnomAD exomes below 0.00001.
gnomAD v4.1: 2 of 1,614,086 alleles (0.00012%); highest among the groups gnomAD compares: Admixed American, 0.0033%; no homozygotes.

Submissions (2):

Labcorp Genetics (formerly Invitae), Labcorp
Classification: Uncertain significance for Early Myoclonic Encephalopathy. Last evaluated: 2025-04-01. Review status: criteria provided, single submitter. Criteria: Invitae Variant Classification Sherloc (09022015). Collection method: clinical testing. Allele origin: germline.
Comment: This sequence change replaces serine, which is neutral and polar, with glycine, which is neutral and non-polar, at codon 567 of the JMJD1C protein (p.Ser567Gly). This variant is not present in population databases (gnomAD no frequency). This variant has not been reported in the literature in individuals affected with JMJD1C-related conditions. ClinVar contains an entry for this variant (Variation ID: 843285). Invitae Evidence Modeling of protein sequence and biophysical properties (such as structural, functional, and spatial information, amino acid conservation, physicochemical variation, residue mobility, and thermodynamic stability) indicates that this missense variant is not expected to disrupt JMJD1C protein function with a negative predictive value of 80%. In summary, the available evidence is currently insufficient to determine the role of this variant in disease. Therefore, it has been classified as a Variant of Uncertain Significance.

PreventionGenetics, part of Exact Sciences
Classification: Uncertain significance for JMJD1C-related condition. Last evaluated: 2023-08-08. Review status: criteria provided, single submitter. Criteria: ACMG Guidelines, 2015. Collection method: clinical testing. Allele origin: germline.
Comment: The JMJD1C c.1699A>G variant is predicted to result in the amino acid substitution p.Ser567Gly. To our knowledge, this variant has not been reported in the literature or in a large population database, indicating this variant is rare. At this time, the clinical significance of this variant is uncertain due to the absence of conclusive functional and genetic evidence.

NM_032776.3(JMJD1C):c.1699A>G (p.Ser567Gly)

Gene: JMJD1C (jumonji domain containing 1C; minus strand). Cytogenetic location: 10q21.3.
Variant type: single nucleotide variant.
Coding change: c.1699A>G on transcript NM_032776.3 (MANE Select); coding-DNA position 1699, A replaced by G.
Protein change: p.Ser567Gly; replaces serine 567 with glycine.
Molecular consequence: missense variant. On other transcripts: non-coding transcript variant (1).
Genome position (GRCh38, 1-based): chr10:63,214,468, T>C on the plus strand (A>G on the coding strand, the complement: JMJD1C is on the minus strand). VCF-style: chr10-63214468-T-C. GRCh37 (hg19) VCF-style: chr10-64974228-T-C.
Other names: c.1153A>G, p.Ser385Gly (NM_001282948.2, NM_001318154.2); c.835A>G, p.Ser279Gly (NM_001318153.2); c.1585A>G, p.Ser529Gly (NM_001322252.2); c.1042A>G, p.Ser348Gly (NM_001322254.2, NM_001322258.2); short protein forms S279G, S348G, S385G, S567G, S529G.
Identifiers: ClinVar variation 843285 (VCV000843285.10), dbSNP rs1847733980, ClinGen allele CA377048075.
Genomic context (GRCh38, chr10:63,214,468, plus strand): 5'-CATTTCCTGAAGAAGCATTTGTAACACTTGATTGGGTTAGATCCACTTTAACTACATCAC[T>C]GACCCAGCTCTGGTCAGAATCTTTTTTTGCTGTTTCCAAGAATTTTGCATTTGCAATAGA-3'
Protein context (NP_116165.1, residues 557-577): AKKDSDQSWV[Ser567Gly]DVVKVDLTQS